The following is an entry in ClinVar:

NM_005343.4(HRAS):c.104C>T (p.Thr35Ile)

Genes: HRAS (HRas proto-oncogene, GTPase; minus strand), LRRC56 (leucine rich repeat containing 56; plus strand). Cytogenetic location: 11p15.5.
Variant type: single nucleotide variant.
Coding change: c.104C>T on transcript NM_005343.4 (MANE Select); coding-DNA position 104, C replaced by T.
Protein change: p.Thr35Ile; replaces threonine 35 with isoleucine.
Molecular consequence: missense variant. On other transcripts: 5 prime UTR variant (1).
Genome position (GRCh38, 1-based): chr11:534,219, G>A on the plus strand (C>T on the coding strand, the complement: HRAS is on the minus strand). VCF-style: chr11-534219-G-A. GRCh37 (hg19) VCF-style: chr11-534219-G-A.
Other names: c.104C>T, p.Thr35Ile (NM_001130442.3, NM_176795.5); c.-216C>T (NM_001318054.2); short protein forms T35I.
Identifiers: ClinVar variation 3373486 (VCV003373486.1).

ClinVar aggregate classification (germline): Uncertain significance (1 of 4 stars; one submission).

Submission:

GeneDx
Classification: Uncertain significance. Last evaluated: 2024-04-26. Review status: criteria provided, single submitter. Criteria: GeneDx Variant Classification Process June 2021. Collection method: clinical testing. Allele origin: germline. Affected: yes.
Comment: Not observed at significant frequency in large population cohorts (gnomAD); Missense variants in this gene are a common cause of disease and they are underrepresented in the general population; In silico analysis supports that this missense variant has a deleterious effect on protein structure/function; Has not been previously published as pathogenic or benign to our knowledge; This variant is associated with the following publications: (PMID: 29493581)